The following is an entry in ClinVar:

ClinVar aggregate classification (germline): Uncertain significance (1 of 4 stars; one submission).

Conditions:
Holoprosencephaly 11 (HPE11). Identifiers: Orphanet 2162, MedGen C3280215, MONDO:0013642, OMIM 614226.

Allele frequency attached by ClinVar (database versions not stated): TOPMed below 0.00001.
gnomAD v4.1: 11 of 1,614,062 alleles (0.00068%); highest among the groups gnomAD compares: East Asian, 0.0045%; no homozygotes.

Submission:

Labcorp Genetics (formerly Invitae), Labcorp
Classification: Uncertain significance for Holoprosencephaly 11. Last evaluated: 2025-06-02. Review status: criteria provided, single submitter. Criteria: Invitae Variant Classification Sherloc (09022015). Collection method: clinical testing. Allele origin: germline.
Comment: This sequence change replaces valine, which is neutral and non-polar, with methionine, which is neutral and non-polar, at codon 1155 of the CDON protein (p.Val1155Met). This variant is present in population databases (rs768149853, gnomAD 0.003%). This variant has not been reported in the literature in individuals affected with CDON-related conditions. ClinVar contains an entry for this variant (Variation ID: 2716470). Invitae Evidence Modeling of protein sequence and biophysical properties (such as structural, functional, and spatial information, amino acid conservation, physicochemical variation, residue mobility, and thermodynamic stability) indicates that this missense variant is not expected to disrupt CDON protein function with a negative predictive value of 80%. In summary, the available evidence is currently insufficient to determine the role of this variant in disease. Therefore, it has been classified as a Variant of Uncertain Significance.

NM_001378964.1(CDON):c.3463G>A (p.Val1155Met)

Gene: CDON (cell adhesion associated, oncogene regulated; minus strand). Cytogenetic location: 11q24.2.
Variant type: single nucleotide variant.
Coding change: c.3463G>A on transcript NM_001378964.1 (MANE Select); coding-DNA position 3463, G replaced by A.
Protein change: p.Val1155Met; replaces valine 1155 with methionine.
Molecular consequence: missense variant.
Genome position (GRCh38, 1-based): chr11:125,961,892, C>T on the plus strand (G>A on the coding strand, the complement: CDON is on the minus strand). VCF-style: chr11-125961892-C-T. GRCh37 (hg19) VCF-style: chr11-125831787-C-T.
Other names: c.3463G>A, p.Val1155Met (NM_001243597.3, NM_016952.6); short protein forms V1155M.
Identifiers: ClinVar variation 2716470 (VCV002716470.3), dbSNP rs768149853, ClinGen allele CA6351401.